The following is an entry in ClinVar:

ClinVar aggregate classification (germline): Uncertain significance (1 of 4 stars; one submission).

Conditions:
Inborn genetic diseases. Identifiers: MedGen C0950123, MeSH D030342.

gnomAD v4.1: 2 of 1,607,694 alleles (0.00012%); highest among the groups gnomAD compares: South Asian, 0.0022%; no homozygotes.

Submission:

Ambry Genetics
Classification: Uncertain significance for Inborn genetic diseases. Last evaluated: 2026-04-28. Review status: criteria provided, single submitter. Criteria: Ambry Variant Classification Scheme 2023. Collection method: clinical testing. Allele origin: germline.
Comment: The p.S427T variant (also known as c.1279T>A), located in coding exon 7 of the FANCM gene, results from a T to A substitution at nucleotide position 1279. The serine at codon 427 is replaced by threonine, an amino acid with similar properties. This amino acid position is conserved. In addition, this alteration is predicted to be tolerated by in silico analysis. Based on the available evidence, the clinical significance of this variant remains unclear.

NM_020937.4(FANCM):c.1279T>A (p.Ser427Thr)

Gene: FANCM (FA complementation group M; plus strand). Cytogenetic location: 14q21.2.
Variant type: single nucleotide variant.
Coding change: c.1279T>A on transcript NM_020937.4 (MANE Select); coding-DNA position 1279, T replaced by A.
Protein change: p.Ser427Thr; replaces serine 427 with threonine.
Molecular consequence: missense variant.
Genome position (GRCh38, 1-based): chr14:45,154,792, T>A. VCF-style: chr14-45154792-T-A. GRCh37 (hg19) VCF-style: chr14-45623995-T-A.
Other names: c.1201T>A, p.Ser401Thr (NM_001308133.2); c.1279T>A, p.Ser427Thr (NM_001308134.2); short protein forms S401T, S427T.
Identifiers: ClinVar variation 4871112 (VCV004871112.1).
Genomic context (GRCh38, chr14:45,154,792, plus strand): 5'-GAAGACTTCATGAAACTCTATAATCATCTAGAGTGTATGTTTGCACGTACACGTAGTACT[T>A]CAGCAAATGGTATTTCTGCTATCCAACAAGGTCTGGTTTTTCTTTTAAAATTATGTATTG-3'
Protein context (NP_065988.1, residues 417-437): ECMFARTRST[Ser427Thr]ANGISAIQQG